The following is an entry in ClinVar:

NM_001349253.2(SCN11A):c.1933G>T (p.Asp645Tyr)

Gene: SCN11A (sodium voltage-gated channel alpha subunit 11; minus strand). Cytogenetic location: 3p22.2.
Variant type: single nucleotide variant.
Coding change: c.1933G>T on transcript NM_001349253.2 (MANE Select); coding-DNA position 1933, G replaced by T.
Protein change: p.Asp645Tyr; replaces aspartic acid 645 with tyrosine.
Molecular consequence: missense variant.
Genome position (GRCh38, 1-based): chr3:38,899,983, C>A on the plus strand (G>T on the coding strand, the complement: SCN11A is on the minus strand). VCF-style: chr3-38899983-C-A. GRCh37 (hg19) VCF-style: chr3-38941474-C-A.
Other names: c.1933G>T, p.Asp645Tyr (NM_014139.3); short protein forms D645Y.
Identifiers: ClinVar variation 4782676 (VCV004782676.1).

ClinVar aggregate classification (germline): Uncertain significance (1 of 4 stars; one submission).

Conditions:
Familial episodic pain syndrome with predominantly lower limb involvement. Also called: Episodic pain syndrome, familial, 3. Identifiers: Orphanet 391384, Orphanet 391392, MedGen C3809899, MONDO:0014247, OMIM 615552.
Hereditary sensory and autonomic neuropathy type 7. Also called: HSAN VII; Neuropathy, hereditary sensory and autonomic, type VII. Identifiers: Orphanet 391397, MedGen C3809882, MONDO:0014244, OMIM 615548.

Submission:

Labcorp Genetics (formerly Invitae), Labcorp
Classification: Uncertain significance for Familial episodic pain syndrome with predominantly lower limb involvement; Hereditary sensory and autonomic neuropathy type 7. Last evaluated: 2025-12-15. Review status: criteria provided, single submitter. Criteria: Invitae Variant Classification Sherloc (09022015). Collection method: clinical testing. Allele origin: germline.
Comment: This sequence change replaces aspartic acid, which is acidic and polar, with tyrosine, which is neutral and polar, at codon 645 of the SCN11A protein (p.Asp645Tyr). This variant is not present in population databases (gnomAD no frequency). This variant has not been reported in the literature in individuals affected with SCN11A-related conditions. Invitae Evidence Modeling of protein sequence and biophysical properties (such as structural, functional, and spatial information, amino acid conservation, physicochemical variation, residue mobility, and thermodynamic stability) indicates that this missense variant is expected to disrupt SCN11A protein function with a positive predictive value of 80%. In summary, the available evidence is currently insufficient to determine the role of this variant in disease. Therefore, it has been classified as a Variant of Uncertain Significance.